The following is an entry in ClinVar:

NM_000057.4(BLM):c.3367A>C (p.Ser1123Arg)

Gene: BLM (BLM RecQ like helicase; plus strand). Cytogenetic location: 15q26.1.
Variant type: single nucleotide variant.
Coding change: c.3367A>C on transcript NM_000057.4 (MANE Select); coding-DNA position 3367, A replaced by C.
Protein change: p.Ser1123Arg; replaces serine 1123 with arginine.
Molecular consequence: missense variant. On other transcripts: intron variant (1).
Genome position (GRCh38, 1-based): chr15:90,803,529, A>C. VCF-style: chr15-90803529-A-C. GRCh37 (hg19) VCF-style: chr15-91346759-A-C.
Other names: c.3367A>C, p.Ser1123Arg (NM_001287246.2); c.2242A>C, p.Ser748Arg (NM_001287248.2); c.3358+5192A>C (NM_001287247.2); short protein forms S748R, S1123R.
Identifiers: ClinVar variation 967094 (VCV000967094.10), dbSNP rs1897212324, ClinGen allele CA393847443.

ClinVar aggregate classification (germline): Uncertain significance (1 of 4 stars; one submission).

Conditions:
Bloom syndrome (BLM). Also called: Bloom-Torre-Machacek syndrome. Identifiers: Orphanet 125, MedGen C0005859, MONDO:0008876, OMIM 210900.

Submission:

Labcorp Genetics (formerly Invitae), Labcorp
Classification: Uncertain significance for Bloom syndrome. Last evaluated: 2023-02-14. Review status: criteria provided, single submitter. Criteria: Invitae Variant Classification Sherloc (09022015). Collection method: clinical testing. Allele origin: germline.
Comment: This variant is not present in population databases (gnomAD no frequency). This sequence change replaces serine, which is neutral and polar, with arginine, which is basic and polar, at codon 1123 of the BLM protein (p.Ser1123Arg). This variant has not been reported in the literature in individuals affected with BLM-related conditions. In summary, the available evidence is currently insufficient to determine the role of this variant in disease. Therefore, it has been classified as a Variant of Uncertain Significance. Advanced modeling of protein sequence and biophysical properties (such as structural, functional, and spatial information, amino acid conservation, physicochemical variation, residue mobility, and thermodynamic stability) has been performed at Invitae for this missense variant, however the output from this modeling did not meet the statistical confidence thresholds required to predict the impact of this variant on BLM protein function. ClinVar contains an entry for this variant (Variation ID: 967094).